The following is an entry in ClinVar:

NM_000051.4(ATM):c.6199-5_6199-1dup

Genes: ATM (ATM serine/threonine kinase; plus strand), C11orf65 (chromosome 11 open reading frame 65; minus strand). Cytogenetic location: 11q22.3.
Variant type: Duplication.
Coding change: c.6199-5_6199-1dup on transcript NM_000051.4 (MANE Select); 5 bases into the intron before coding-DNA position 6199 through the canonical splice acceptor site of the intron before coding-DNA position 6199, 5 bases duplicated (TTTAG; older notation c.6199-5_6199-1dupTTTAG).
Molecular consequence: splice acceptor variant. On other transcripts: intron variant (2).
Genome position (GRCh38, 1-based): chr11:108,317,368-108,317,372, TTTAG duplicated; duplicating any 5 consecutive bases within chr11:108,317,367-108,317,372 gives the same sequence; the c. name uses the placement nearest the transcript's 3' end. VCF-style (leftmost placement, unchanged base first): chr11-108317366-T-TGTTTA. GRCh37 (hg19) VCF-style: chr11-108188093-T-TGTTTA.
Other names: c.6199-5_6199-1dup (NM_001351834.2); c.641-8300_641-8296dup (NM_001330368.2); c.*39-8300_*39-8296dup (NM_001351110.2).
Identifiers: ClinVar variation 826233 (VCV000826233.7), dbSNP rs1591788826, ClinGen allele CA915947655.

ClinVar aggregate classification (germline): Uncertain significance (1 of 4 stars; one submission).

Conditions:
Hereditary cancer-predisposing syndrome. Also called: Tumor predisposition; Neoplastic Syndromes, Hereditary; Hereditary Cancer Syndrome; Hereditary neoplastic syndrome. Identifiers: Orphanet 140162, MedGen C0027672, MeSH D009386, MONDO:0015356.

Submission:

Ambry Genetics
Classification: Uncertain significance for Hereditary cancer-predisposing syndrome. Last evaluated: 2026-02-16. Review status: criteria provided, single submitter. Criteria: Ambry Variant Classification Scheme 2023. Collection method: clinical testing. Allele origin: germline.
Comment: The c.6199-5_6199-1dupTTTAG intronic variant, results from a duplication of 10 nucleotides at nucleotide position 6199 before intron 41 of the ATM gene. In silico splice site analysis predicts that this alteration will weaken the native splice acceptor site and will result in the creation or strengthening of a novel splice acceptor site. Based on the available evidence, the clinical significance of this variant remains unclear.